The following is an entry in ClinVar:

NM_030665.4(RAI1):c.3187C>T (p.Leu1063=)

Gene: RAI1 (retinoic acid induced 1; plus strand). Cytogenetic location: 17p11.2.
Variant type: single nucleotide variant.
Coding change: c.3187C>T on transcript NM_030665.4 (MANE Select); coding-DNA position 3187, C replaced by T.
Protein change: p.Leu1063=; no amino-acid change (leucine 1063 retained).
Molecular consequence: synonymous variant.
Genome position (GRCh38, 1-based): chr17:17,796,135, C>T. VCF-style: chr17-17796135-C-T. GRCh37 (hg19) VCF-style: chr17-17699449-C-T.
Identifiers: ClinVar variation 3033026 (VCV003033026.2), dbSNP rs1272653502, ClinGen allele CA498424243.

ClinVar aggregate classification (germline): Likely benign (0 of 4 stars; one submission).

Conditions:
RAI1-related disorder. Also called: RAI1-related condition.

Allele frequency attached by ClinVar (database versions not stated): gnomAD exomes below 0.00001.
gnomAD v4.1: 1 of 1,578,712 alleles (0.000063%); highest among the groups gnomAD compares: Admixed American, 0.0018%; no homozygotes.

Submission:

PreventionGenetics, part of Exact Sciences
Classification: Likely benign for RAI1-related condition. Last evaluated: 2020-09-04. Review status: no assertion criteria provided. Collection method: clinical testing. Allele origin: germline.
Comment: This variant is classified as likely benign based on ACMG/AMP sequence variant interpretation guidelines (Richards et al. 2015 PMID: 25741868, with internal and published modifications).